The following is an entry in ClinVar:

ClinVar aggregate classification (germline): Uncertain significance (1 of 4 stars; one submission).

Conditions:
MHC class II deficiency. Also called: Bare lymphocyte syndrome 2; BLS, TYPE II. Identifiers: Orphanet 572, MedGen C5447452, MONDO:0008855.

Allele frequency attached by ClinVar (database versions not stated): gnomAD exomes below 0.00001 and 0.00001; gnomAD 0.00001; TOPMed 0.00001.

Submission:

Labcorp Genetics (formerly Invitae), Labcorp
Classification: Uncertain significance for MHC class II deficiency. Last evaluated: 2017-07-16. Review status: criteria provided, single submitter. Criteria: Invitae Variant Classification Sherloc (09022015). Collection method: clinical testing. Allele origin: germline.
Comment: This variant is not present in population databases (ExAC no frequency). In summary, the available evidence is currently insufficient to determine the role of this variant in disease. Therefore, it has been classified as a Variant of Uncertain Significance. Algorithms developed to predict the effect of missense changes on protein structure and function do not agree on the potential impact of this missense change (SIFT: "Tolerated"; PolyPhen-2: "Probably Damaging"; Align-GVGD: "Class C0"). This variant has not been reported in the literature in individuals with RFX5-related disease. This sequence change replaces isoleucine with valine at codon 139 of the RFX5 protein (p.Ile139Val). The isoleucine residue is highly conserved and there is a small physicochemical difference between isoleucine and valine.

NM_001025603.2(RFX5):c.415A>G (p.Ile139Val)

Gene: RFX5 (regulatory factor X5; minus strand). Cytogenetic location: 1q21.3.
Variant type: single nucleotide variant.
Coding change: c.415A>G on transcript NM_001025603.2 (MANE Select); coding-DNA position 415, A replaced by G.
Protein change: p.Ile139Val; replaces isoleucine 139 with valine.
Molecular consequence: missense variant.
Genome position (GRCh38, 1-based): chr1:151,344,475, T>C on the plus strand (A>G on the coding strand, the complement: RFX5 is on the minus strand). VCF-style: chr1-151344475-T-C. GRCh37 (hg19) VCF-style: chr1-151316951-T-C.
Other names: c.415A>G, p.Ile139Val (NM_000449.4, NM_001379412.1, NM_001379413.1 and 5 more transcripts); c.295A>G, p.Ile99Val (NM_001379419.1, NM_001379420.1); short protein forms I139V, I99V.
Identifiers: ClinVar variation 471255 (VCV000471255.6), dbSNP rs1363432272, ClinGen allele CA341941721.